The following is an entry in ClinVar:

NM_000612.6(IGF2):c.155T>C (p.Phe52Ser)

Genes: IGF2 (insulin like growth factor 2; minus strand), INS-IGF2 (INS-IGF2 readthrough; minus strand). Cytogenetic location: 11p15.5.
Variant type: single nucleotide variant.
Coding change: c.155T>C on transcript NM_000612.6 (MANE Select); coding-DNA position 155, T replaced by C.
Protein change: p.Phe52Ser; replaces phenylalanine 52 with serine.
Molecular consequence: missense variant. On other transcripts: non-coding transcript variant (1).
Genome position (GRCh38, 1-based): chr11:2,135,369, A>G on the plus strand (T>C on the coding strand, the complement: IGF2 is on the minus strand). VCF-style: chr11-2135369-A-G. GRCh37 (hg19) VCF-style: chr11-2156599-A-G.
Other names: c.155T>C, p.Phe52Ser (NM_001007139.6, NM_001291861.3, NM_001291862.3); c.323T>C, p.Phe108Ser (NM_001127598.3); short protein forms F108S, F52S.
Identifiers: ClinVar variation 3770059 (VCV003770059.1).

ClinVar aggregate classification (germline): Uncertain significance (1 of 4 stars; one submission).

Submission:

GeneDx
Classification: Uncertain significance. Last evaluated: 2024-09-11. Review status: criteria provided, single submitter. Criteria: GeneDx Variant Classification Process June 2021. Collection method: clinical testing. Allele origin: germline. Affected: yes.
Comment: Not observed at significant frequency in large population cohorts (gnomAD); In silico analysis supports that this missense variant has a deleterious effect on protein structure/function; Has not been previously published as pathogenic or benign to our knowledge